The following is an entry in ClinVar:

NM_001098426.2(SMARCD2):c.242G>A (p.Arg81Gln)

Gene: SMARCD2 (SWI/SNF related BAF chromatin remodeling complex subunit D2; minus strand). Cytogenetic location: 17q23.3.
Variant type: single nucleotide variant.
Coding change: c.242G>A on transcript NM_001098426.2 (MANE Select); coding-DNA position 242, G replaced by A.
Protein change: p.Arg81Gln; replaces arginine 81 with glutamine.
Molecular consequence: missense variant.
Genome position (GRCh38, 1-based): chr17:63,837,600, C>T on the plus strand (G>A on the coding strand, the complement: SMARCD2 is on the minus strand). VCF-style: chr17-63837600-C-T. GRCh37 (hg19) VCF-style: chr17-61914960-C-T.
Other names: c.17G>A, p.Arg6Gln (NM_001330439.1); c.98G>A, p.Arg33Gln (NM_001330440.2); short protein forms R6Q, R81Q, R33Q.
Identifiers: ClinVar variation 1472734 (VCV001472734.8), dbSNP rs766896361, ClinGen allele CA8706541.

ClinVar aggregate classification (germline): Uncertain significance (1 of 4 stars; one submission).

Allele frequency attached by ClinVar (database versions not stated): ExAC 0.00001; gnomAD exomes 0.00001 and 0.00002; gnomAD 0.00002; TOPMed 0.00004.
gnomAD v4.1: 15 of 1,612,886 alleles (0.00093%); highest among the groups gnomAD compares: Admixed American, 0.0083%; no homozygotes.

Submission:

Labcorp Genetics (formerly Invitae), Labcorp
Classification: Uncertain significance. Last evaluated: 2025-08-26. Review status: criteria provided, single submitter. Criteria: Invitae Variant Classification Sherloc (09022015). Collection method: clinical testing. Allele origin: germline.
Comment: This sequence change replaces arginine, which is basic and polar, with glutamine, which is neutral and polar, at codon 81 of the SMARCD2 protein (p.Arg81Gln). This variant is present in population databases (rs766896361, gnomAD 0.02%). This variant has not been reported in the literature in individuals affected with SMARCD2-related conditions. ClinVar contains an entry for this variant (Variation ID: 1472734). Invitae Evidence Modeling of protein sequence and biophysical properties (such as structural, functional, and spatial information, amino acid conservation, physicochemical variation, residue mobility, and thermodynamic stability) indicates that this missense variant is not expected to disrupt SMARCD2 protein function with a negative predictive value of 80%. In summary, the available evidence is currently insufficient to determine the role of this variant in disease. Therefore, it has been classified as a Variant of Uncertain Significance.